The following is an entry in ClinVar:

NM_001370259.2(MEN1):c.1334G>T (p.Gly445Val)

Gene: MEN1 (menin 1; minus strand). Cytogenetic location: 11q13.1.
Variant type: single nucleotide variant.
Coding change: c.1334G>T on transcript NM_001370259.2 (MANE Select); coding-DNA position 1334, G replaced by T.
Protein change: p.Gly445Val; replaces glycine 445 with valine.
Molecular consequence: missense variant. On other transcripts: non-coding transcript variant (4), intron variant (1).
Genome position (GRCh38, 1-based): chr11:64,805,050, C>A on the plus strand (G>T on the coding strand, the complement: MEN1 is on the minus strand). VCF-style: chr11-64805050-C-A. GRCh37 (hg19) VCF-style: chr11-64572522-C-A.
Other names: c.1229G>T, p.Gly410Val (NM_001407148.1, NM_001407149.1, NM_001370262.2 and 1 more transcripts); c.1475G>T, p.Gly492Val (NM_001407150.1); c.1355G>T, p.Gly452Val (NM_001407151.1); c.1460G>T, p.Gly487Val (NM_001407144.1, NM_001370251.2, NM_001407142.1 and 1 more transcripts); c.1349G>T, p.Gly450Val (NM_001407145.1, NM_000244.4, NM_130800.3 and 4 more transcripts); c.1334G>T, p.Gly445Val (NM_001407146.1, NM_001407147.1, NM_130799.3 and 2 more transcripts); c.1186-234G>T (NM_001407152.1); short protein forms G452V, G487V, G492V, G410V, G445V, G450V.
Identifiers: ClinVar variation 4053820 (VCV004053820.1).

ClinVar aggregate classification (germline): Uncertain significance (1 of 4 stars; one submission).

Conditions:
Hereditary cancer-predisposing syndrome. Also called: Neoplastic Syndromes, Hereditary; Tumor predisposition; Hereditary neoplastic syndrome; Hereditary Cancer Syndrome. Identifiers: Orphanet 140162, MedGen C0027672, MeSH D009386, MONDO:0015356.

Submission:

Ambry Genetics
Classification: Uncertain significance for Hereditary cancer-predisposing syndrome. Last evaluated: 2025-06-13. Review status: criteria provided, single submitter. Criteria: Ambry Variant Classification Scheme 2023. Collection method: clinical testing. Allele origin: germline.
Comment: The p.G445V variant (also known as c.1334G>T), located in coding exon 8 of the MEN1 gene, results from a G to T substitution at nucleotide position 1334. The glycine at codon 445 is replaced by valine, an amino acid with dissimilar properties. This amino acid position is conserved. In addition, the in silico prediction for this alteration is inconclusive. Based on the available evidence, the clinical significance of this variant remains unclear.